The following is an entry in ClinVar:

ClinVar aggregate classification (germline): Uncertain significance. Review status: criteria provided, multiple submitters, no conflicts (2 of 4 stars). 10 submissions from 10 submitters: Uncertain significance (7). 3 of the submissions do not count toward it. Last evaluated 2025-12-22.

Conditions:
Cardiovascular phenotype. Identifiers: MedGen CN230736.
Catecholaminergic polymorphic ventricular tachycardia (CVPT). Also called: Catecholamine-induced polymorphic ventricular tachycardia. Identifiers: Orphanet 3286, MedGen C5574922, MONDO:0017990.
Polymorphic ventricular tachycardia. Identifiers: MedGen C0344432, MONDO:0020575, HP:0031677.
Cardiomyopathy (CMYO). Also called: Cardiomyopathies. Identifiers: Orphanet 167848, MedGen C0878544, MONDO:0004994, HP:0001638. Inheritance: Various modes of inheritance.
Catecholaminergic polymorphic ventricular tachycardia 1. Also called: VENTRICULAR TACHYCARDIA, CATECHOLAMINERGIC POLYMORPHIC, 1, WITH OR WITHOUT ATRIAL DYSFUNCTION AND/OR DILATED CARDIOMYOPATHY; RYR2-Related Catecholaminergic Polymorphic Ventricular Tachycardia; VENTRICULAR TACHYCARDIA, STRESS-INDUCED POLYMORPHIC 1. Identifiers: Orphanet 3286, MedGen C1631597, MONDO:0011484, OMIM 604772.
Arrhythmogenic right ventricular dysplasia 2. Identifiers: MedGen C1832931.

Allele frequency attached by ClinVar (database versions not stated): gnomAD 0.00006 and 0.00007; TOPMed 0.00007; gnomAD exomes 0.00010; ExAC 0.00012; ESP Exome Variant Server 0.00017.
gnomAD v4.1: 72 of 1,613,408 alleles (0.0045%); highest among the groups gnomAD compares: Non-Finnish European, 0.0056%; no homozygotes.

Submissions (10):

Labcorp Genetics (formerly Invitae), Labcorp
Classification: Uncertain significance for Catecholaminergic polymorphic ventricular tachycardia 1. Last evaluated: 2025-12-22. Review status: criteria provided, single submitter. Criteria: Invitae Variant Classification Sherloc (09022015). Collection method: clinical testing. Allele origin: germline.
Comment: This sequence change replaces proline, which is neutral and non-polar, with alanine, which is neutral and non-polar, at codon 466 of the RYR2 protein (p.Pro466Ala). This variant is present in population databases (rs376612295, gnomAD 0.03%). This missense change has been observed in individual(s) with aborted cardiac arrest or catecholaminergic polymorphic ventricular tachycardia (PMID: 16188589, 28404607, 29555771, 32009526, 32152366). ClinVar contains an entry for this variant (Variation ID: 161383). Invitae Evidence Modeling of protein sequence and biophysical properties (such as structural, functional, and spatial information, amino acid conservation, physicochemical variation, residue mobility, and thermodynamic stability) indicates that this missense variant is expected to disrupt RYR2 protein function with a positive predictive value of 95%. Experimental studies are conflicting or provide insufficient evidence to determine the effect of this variant on RYR2 function (PMID: 33825858). In summary, the available evidence is currently insufficient to determine the role of this variant in disease. Therefore, it has been classified as a Variant of Uncertain Significance.

Color Diagnostics, LLC DBA Color Health
Classification: Uncertain significance for Cardiomyopathy. Last evaluated: 2025-12-11. Review status: criteria provided, single submitter. Criteria: ACMG Guidelines, 2015. Collection method: clinical testing. Allele origin: germline.
Comment: This missense variant replaces proline with alanine at codon 466 of the RYR2 protein. Computational prediction suggests that this variant may have deleterious impact on protein structure and function. An experiment study has shown that this variant has no impact on caffeine-induced calcium release in cultured cells (PMID: 33825858), but the clinical significance of this result is unknown. This variant has been reported in individuals affected with cardiovascular events including cardiac arrest, sudden cardiac death, cardiomyopathy, ventricular fibrillation, and arrhythmia (PMID: 16188589, 23861362, 32009526, 32152366), but has also been observed as a secondary finding in population cohorts (PMID: 25637381, 28404607, 32048431). This variant has been identified in 72/1613408 chromosomes in the general population by the Genome Aggregation Database (gnomAD). The available evidence is insufficient to determine the role of this variant in disease conclusively. Therefore, this variant is classified as a Variant of Uncertain Significance.

All of Us Research Program, National Institutes of Health
Classification: Uncertain significance for Catecholaminergic polymorphic ventricular tachycardia. Last evaluated: 2024-07-10. Review status: criteria provided, single submitter. Criteria: ACMG Guidelines, 2015. Collection method: clinical testing. Allele origin: germline. Inheritance: Autosomal dominant inheritance. Observed: 32 variant alleles, 32 heterozygotes.
Comment: This missense variant replaces proline with alanine at codon 466 of the RYR2 protein. Computational prediction suggests that this variant may have deleterious impact on protein structure and function (internally defined REVEL score threshold >= 0.7, PMID: 27666373). An experiment has shown that this variant has no impact on caffeine-induced calcium release in cultured cells (PMID: 33825858). However, the clinical relevance of this observation is not known. This variant has been reported in a young individual with aborted cardiac arrest and a family history of sudden cardiac death (PMID: 16188589), in an individual with a cardiomyopathy diagnosis (PMID: 32009526), and in an infant with recurrent apparent life-threatening event followed by sudden cardiac death (Hernandez et al., 2016). This variant has also been identified in 28/280104 chromosomes in the general population by the Genome Aggregation Database (gnomAD). The available evidence is insufficient to determine the role of this variant in disease conclusively. Therefore, this variant is classified as a Variant of Uncertain Significance.

This study involves interpretation of variants in research participants for the purpose of population health screening. Participant phenotype was not available at the time of variant classification. Additional details can be found in publication PMID: 35346344, PMCID: PMC8962531

Ambry Genetics
Classification: Uncertain significance for Cardiovascular phenotype. Last evaluated: 2023-12-08. Review status: criteria provided, single submitter. Criteria: Ambry Variant Classification Scheme 2023. Collection method: clinical testing. Allele origin: germline.
Comment: The p.P466A variant (also known as c.1396C>G), located in coding exon 15 of the RYR2 gene, results from a C to G substitution at nucleotide position 1396. The proline at codon 466 is replaced by alanine, an amino acid with highly similar properties. This variant has been reported in a number of individuals with a variety of cardiac disease phenotypes, including cardiac arrest, left ventricular hypertrophy, and ventricular tachycardia (Tester DJ et al. Heart Rhythm, 2005 Oct;2:1099-105; Ng D et al. Circ Cardiovasc Genet, 2013 Aug;6:337-46; Pottinger TD et al. J Am Heart Assoc, 2020 02;9:e013808). However, this variant has also been reported in exome cohorts (Amendola LM et al. Genome Res., 2015 Mar;25:305-15; Landstrom AP et al. Circ Arrhythm Electrophysiol, 2017 Apr;10:). This amino acid position is highly conserved in available vertebrate species. In addition, this alteration is predicted to be deleterious by in silico analysis. Since supporting evidence is limited at this time, the clinical significance of this alteration remains unclear.

GeneDx
Classification: Uncertain significance. Last evaluated: 2020-07-31. Review status: criteria provided, single submitter. Criteria: GeneDx Variant Classification Process June 2021. Collection method: clinical testing. Allele origin: germline. Affected: yes.
Comment: Reported in an individual with aborted cardiac arrest and a family history of multiple people with sudden cardiac death (Tester et al., 2005); Reported in ClinVar as a variant of uncertain significance (ClinVar Variant ID# 161383; Landrum et al., 2016); In silico analysis, which includes protein predictors and evolutionary conservation, supports a deleterious effect; Located in one of the three hot-spot regions of the RYR2 gene, where the majority of pathogenic missense variants occur (Medeiros-Domingo et al., 2009); This variant is associated with the following publications: (PMID: 32048431, 25637381, 23861362, 19926015, 24025405, 28404607, 16188589, 27538377, 29555771, 31980526, 33825858)

Institute of Human Genetics, University of Leipzig Medical Center
Classification: Uncertain significance for Catecholaminergic polymorphic ventricular tachycardia 1. Last evaluated: 2019-01-01. Review status: criteria provided, single submitter. Criteria: ACMG Guidelines, 2015. Collection method: clinical testing. Allele origin: unknown. Affected: yes.

Biesecker Lab/Clinical Genomics Section, National Institutes of Health
Classification: Uncertain significance for Ventricular tachycardia, polymorphic. Last evaluated: 2018-04-05. Review status: criteria provided, single submitter. Criteria: ACMG Guidelines, 2015. Collection method: research. Allele origin: unknown. Affected: no. Observed: 1 variant allele.
Comment: The study set was not selected for affection status in relation to arrhythmia or cardiomyopathy. Pathogenicity categories were based on literature curation. See Pubmed ID:25741868 for details.

Medical sequencing

CSER _CC_NCGL, University of Washington
Classification: Uncertain significance for Ventricular tachycardia, polymorphic. Last evaluated: 2014-06-01. Review status: no assertion criteria provided. Collection method: research. Allele origin: germline. Inheritance: Autosomal dominant inheritance. Study: ESP 6500 variant annotation. Not counted in ClinVar's aggregate classification.
Comment: Variants classified for the Actionable exomic incidental findings in 6503 participants: challenges of variant classification manuscript

Diagnostic Laboratory, Department of Genetics, University Medical Center Groningen
Classification: Uncertain significance. Review status: no assertion criteria provided. Collection method: clinical testing. Allele origin: germline. Affected: yes. Study: VKGL Data-share Consensus. Not counted in ClinVar's aggregate classification.

Joint Genome Diagnostic Labs from Nijmegen and Maastricht, Radboudumc and MUMC+
Classification: Uncertain significance. Review status: no assertion criteria provided. Collection method: clinical testing. Allele origin: germline. Affected: yes. Study: VKGL Data-share Consensus. Not counted in ClinVar's aggregate classification.

Literature cited by the submitters: PubMed 16188589 (cited by 4 submitters); PubMed 28404607 (cited by 3 submitters); PubMed 29555771 (cited by Labcorp Genetics (formerly Invitae), Labcorp and Ambry Genetics); PubMed 32009526 (cited by 3 submitters); PubMed 32152366 (cited by Labcorp Genetics (formerly Invitae), Labcorp and Color Diagnostics, LLC DBA Color Health); PubMed 33825858 (cited by 3 submitters); PubMed 23861362 (cited by Color Diagnostics, LLC DBA Color Health and Ambry Genetics); PubMed 25637381 (cited by Color Diagnostics, LLC DBA Color Health and Ambry Genetics); PubMed 32048431 (cited by Color Diagnostics, LLC DBA Color Health and Ambry Genetics).

NM_001035.3(RYR2):c.1396C>G (p.Pro466Ala)

Gene: RYR2 (ryanodine receptor 2; plus strand). Cytogenetic location: 1q43.
Variant type: single nucleotide variant.
Coding change: c.1396C>G on transcript NM_001035.3 (MANE Select); coding-DNA position 1396, C replaced by G.
Protein change: p.Pro466Ala; replaces proline 466 with alanine.
Molecular consequence: missense variant.
Genome position (GRCh38, 1-based): chr1:237,454,494, C>G. VCF-style: chr1-237454494-C-G. GRCh37 (hg19) VCF-style: chr1-237617794-C-G.
Other names: c.1396C>G, p.Pro466Ala (LRG_402t1); short protein forms P466A.
Identifiers: ClinVar variation 161383 (VCV000161383.29), dbSNP rs376612295, ClinGen allele CA008098.
Genomic context (GRCh38, chr1:237,454,494, plus strand): 5'-GATTTGCCTATAGAGTCCGTAAGCCTAAGTCTGCAGGATCTCATTGGCTACTTCCACCCC[C>G]CAGATGAGCATTTAGAGCATGAAGACAAACAGAACAGACTACGAGCCCTGAAGAATCGGC-3'
Protein context (NP_001026.2, residues 456-476): LQDLIGYFHP[Pro466Ala]DEHLEHEDKQ